The following is an entry in ClinVar:

ClinVar aggregate classification (germline): Uncertain significance. Review status: criteria provided, multiple submitters, no conflicts (2 of 4 stars). 2 submissions from 2 submitters: Uncertain significance (2). Last evaluated 2024-03-06.

Conditions:
Hereditary nonpolyposis colorectal neoplasms. Identifiers: MedGen C0009405, MeSH D003123.
Hereditary cancer-predisposing syndrome. Also called: Neoplastic Syndromes, Hereditary; Tumor predisposition; Hereditary Cancer Syndrome; Hereditary neoplastic syndrome. Identifiers: Orphanet 140162, MedGen C0027672, MeSH D009386, MONDO:0015356.

Submissions (2):

Ambry Genetics
Classification: Uncertain significance for Hereditary cancer-predisposing syndrome. Last evaluated: 2024-03-06. Review status: criteria provided, single submitter. Criteria: Ambry Variant Classification Scheme 2023. Collection method: clinical testing. Allele origin: germline.
Comment: The p.K728E variant (also known as c.2182A>G), located in coding exon 4 of the MSH6 gene, results from an A to G substitution at nucleotide position 2182. The lysine at codon 728 is replaced by glutamic acid, an amino acid with similar properties. This amino acid position is well conserved in available vertebrate species. In addition, the in silico prediction for this alteration is inconclusive. Based on the available evidence, the clinical significance of this alteration remains unclear.

Labcorp Genetics (formerly Invitae), Labcorp
Classification: Uncertain significance for Hereditary nonpolyposis colorectal neoplasms. Last evaluated: 2023-12-07. Review status: criteria provided, single submitter. Criteria: Invitae Variant Classification Sherloc (09022015). Collection method: clinical testing. Allele origin: germline.
Comment: This sequence change replaces lysine, which is basic and polar, with glutamic acid, which is acidic and polar, at codon 728 of the MSH6 protein (p.Lys728Glu). This variant is not present in population databases (gnomAD no frequency). This variant has not been reported in the literature in individuals affected with MSH6-related conditions. ClinVar contains an entry for this variant (Variation ID: 650406). Advanced modeling of protein sequence and biophysical properties (such as structural, functional, and spatial information, amino acid conservation, physicochemical variation, residue mobility, and thermodynamic stability) performed at Invitae indicates that this missense variant is not expected to disrupt MSH6 protein function with a negative predictive value of 95%. In summary, the available evidence is currently insufficient to determine the role of this variant in disease. Therefore, it has been classified as a Variant of Uncertain Significance.

NM_000179.3(MSH6):c.2182A>G (p.Lys728Glu)

Gene: MSH6 (mutS homolog 6; plus strand). Cytogenetic location: 2p16.3.
Variant type: single nucleotide variant.
Coding change: c.2182A>G on transcript NM_000179.3 (MANE Select); coding-DNA position 2182, A replaced by G.
Protein change: p.Lys728Glu; replaces lysine 728 with glutamic acid.
Molecular consequence: missense variant.
Genome position (GRCh38, 1-based): chr2:47,800,165, A>G. VCF-style: chr2-47800165-A-G. GRCh37 (hg19) VCF-style: chr2-48027304-A-G.
Other names: c.1792A>G, p.Lys598Glu (NM_001281492.2); c.1276A>G, p.Lys426Glu (NM_001281493.2, NM_001281494.2); short protein forms K426E, K598E, K728E.
Identifiers: ClinVar variation 650406 (VCV000650406.13), dbSNP rs1572726086, ClinGen allele CA346751218.